The following is an entry in ClinVar:

ClinVar aggregate classification (germline): Pathogenic (1 of 4 stars; one submission).

Conditions:
Osteogenesis imperfecta type I (OI1). Also called: OI, TYPE I; OSTEOGENESIS IMPERFECTA TARDA; OSTEOGENESIS IMPERFECTA WITH BLUE SCLERAE; Osteogenesis imperfecta type 1; Lobstein's Disease; Classic Non-deforming Osteogenesis Imperfecta with Blue Sclerae. Identifiers: Orphanet 216796, Orphanet 666, MedGen C0023931, MONDO:0008146, OMIM 166200. Disease mechanism: loss of function.

Submission:

Labcorp Genetics (formerly Invitae), Labcorp
Classification: Pathogenic for Osteogenesis imperfecta type I. Last evaluated: 2023-08-16. Review status: criteria provided, single submitter. Criteria: Invitae Variant Classification Sherloc (09022015). Collection method: clinical testing. Allele origin: germline.
Comment: This variant has not been reported in the literature in individuals affected with COL1A1-related conditions. For these reasons, this variant has been classified as Pathogenic. This variant is not present in population databases (gnomAD no frequency). This sequence change creates a premature translational stop signal (p.Gly836Alafs*272) in the COL1A1 gene. It is expected to result in an absent or disrupted protein product. Loss-of-function variants in COL1A1 are known to be pathogenic (PMID: 7942841, 9295084, 9443882).

Literature cited by the submitters: PubMed 7942841; PubMed 9295084; PubMed 9443882.

NM_000088.4(COL1A1):c.2505del (p.Gly836fs)

Gene: COL1A1 (collagen type I alpha 1 chain; minus strand). Cytogenetic location: 17q21.33.
Variant type: Deletion.
Coding change: c.2505del on transcript NM_000088.4 (MANE Select); coding-DNA position 2505, one base deleted (A; older notation c.2505delA).
Protein change: p.Gly836fs; shifts the reading frame from glycine 836.
Molecular consequence: frameshift variant.
Genome position (GRCh38, 1-based): chr17:50,190,055, T deleted on the plus strand (A on the coding strand, the reverse complement: COL1A1 is on the minus strand); the first of 3 consecutive T bases (chr17:50,190,055-50,190,057); deleting any one gives the same sequence. VCF-style (leftmost placement, unchanged base first): chr17-50190054-CT-C. GRCh37 (hg19) VCF-style: chr17-48267415-CT-C.
Other names: short protein forms G836fs.
Identifiers: ClinVar variation 2753119 (VCV002753119.3), dbSNP rs2509188732, ClinGen allele CA2697560396.